The following is an entry in ClinVar:

NM_001111125.3(IQSEC2):c.4360C>T (p.Pro1454Ser)

Gene: IQSEC2 (IQ motif and Sec7 domain ArfGEF 2; minus strand). Cytogenetic location: Xp11.22.
Variant type: single nucleotide variant.
Coding change: c.4360C>T on transcript NM_001111125.3 (MANE Select); coding-DNA position 4360, C replaced by T.
Protein change: p.Pro1454Ser; replaces proline 1454 with serine.
Molecular consequence: missense variant. On other transcripts: 3 prime UTR variant (4), intron variant (2).
Genome position (GRCh38, 1-based): chrX:53,234,326, G>A on the plus strand (C>T on the coding strand, the complement: IQSEC2 is on the minus strand). VCF-style: chrX-53234326-G-A. GRCh37 (hg19) VCF-style: chrX-53263508-G-A.
Other names: c.*845C>T (NM_001410736.1, NM_001441093.1, NM_001441094.1 and 1 more transcripts); c.3451+1996C>T (NM_001441092.1); c.2740+1996C>T (NM_001441095.1); short protein forms P1454S.
Identifiers: ClinVar variation 4885487 (VCV004885487.2).

ClinVar aggregate classification (germline): Uncertain significance (1 of 4 stars; one submission).

gnomAD v4.1: 2 of 431,796 alleles (0.00046%); highest among the groups gnomAD compares: Non-Finnish European, 0.00067%; no homozygotes.

Submission:

Dasa
Classification: Uncertain significance. Last evaluated: 2025-08-29. Review status: criteria provided, single submitter. Criteria: DASA Assertion Criteria. Collection method: clinical testing. Allele origin: germline.
Comment: NM_001111125.3(IQSEC2):c.4360C>T (p.Pro1454Ser) is a missense variant that results in the substitution of proline with serine. This variant is rare in population databases. Computational prediction algorithms are consistent with a benign effect. The currently available literature and clinical evidence are not sufficient to establish a definitive association between this variant and the reported condition. Therefore, this variant is classified as a variant of uncertain significance.